The following is an entry in ClinVar:

ClinVar aggregate classification (germline): Uncertain significance (1 of 4 stars; one submission).

Conditions:
Melanoma, cutaneous malignant, susceptibility to, 5. Also called: Cutaneous malignant melanoma 5. Identifiers: Orphanet 618, MedGen C2751295, MONDO:0013133, OMIM 613099.

Submission:

Labcorp Genetics (formerly Invitae), Labcorp
Classification: Uncertain significance for Melanoma, cutaneous malignant, susceptibility to, 5. Last evaluated: 2022-08-21. Review status: criteria provided, single submitter. Criteria: Invitae Variant Classification Sherloc (09022015). Collection method: clinical testing. Allele origin: germline.
Comment: This variant is not present in population databases (gnomAD no frequency). This sequence change replaces leucine, which is neutral and non-polar, with valine, which is neutral and non-polar, at codon 36 of the MC1R protein (p.Leu36Val). This missense change has been observed in individual(s) with melanoma (PMID: 16809487). In summary, the available evidence is currently insufficient to determine the role of this variant in disease. Therefore, it has been classified as a Variant of Uncertain Significance. Algorithms developed to predict the effect of missense changes on protein structure and function (SIFT, PolyPhen-2, Align-GVGD) all suggest that this variant is likely to be tolerated.

Literature cited by the submitters: PubMed 16809487.

NM_002386.4(MC1R):c.106C>G (p.Leu36Val)

Gene: MC1R (melanocortin 1 receptor; plus strand). Cytogenetic location: 16q24.3.
Variant type: single nucleotide variant.
Coding change: c.106C>G on transcript NM_002386.4 (MANE Select); coding-DNA position 106, C replaced by G.
Protein change: p.Leu36Val; replaces leucine 36 with valine.
Molecular consequence: missense variant.
Genome position (GRCh38, 1-based): chr16:89,919,364, C>G. VCF-style: chr16-89919364-C-G. GRCh37 (hg19) VCF-style: chr16-89985772-C-G.
Other names: short protein forms L36V.
Identifiers: ClinVar variation 2201269 (VCV002201269.4), dbSNP rs2045690205, ClinGen allele CA397459340.